The following is an entry in ClinVar:

NM_053025.4(MYLK):c.3340A>G (p.Lys1114Glu)

Gene: MYLK (myosin light chain kinase; minus strand). Cytogenetic location: 3q21.1.
Variant type: single nucleotide variant.
Coding change: c.3340A>G on transcript NM_053025.4 (MANE Select); coding-DNA position 3340, A replaced by G.
Protein change: p.Lys1114Glu; replaces lysine 1114 with glutamic acid.
Molecular consequence: missense variant.
Genome position (GRCh38, 1-based): chr3:123,700,128, T>C on the plus strand (A>G on the coding strand, the complement: MYLK is on the minus strand). VCF-style: chr3-123700128-T-C. GRCh37 (hg19) VCF-style: chr3-123418975-T-C.
Other names: c.2812A>G, p.Lys938Glu (NM_001321309.2); c.3133A>G, p.Lys1045Glu (NM_053026.4, NM_053028.4); c.3340A>G, p.Lys1114Glu (NM_053027.4); short protein forms K938E, K1114E, K1045E.
Identifiers: ClinVar variation 3648022 (VCV003648022.2).

ClinVar aggregate classification (germline): Uncertain significance (1 of 4 stars; one submission).

Conditions:
Aortic aneurysm, familial thoracic 7 (AAT7). Also called: AORTIC DISSECTION, FAMILIAL, WITH OR WITHOUT AORTIC ANEURYSM. Identifiers: MedGen C3151077, MONDO:0013418, OMIM 613780.

Submission:

Labcorp Genetics (formerly Invitae), Labcorp
Classification: Uncertain significance for Aortic aneurysm, familial thoracic 7. Last evaluated: 2025-02-26. Review status: criteria provided, single submitter. Criteria: Invitae Variant Classification Sherloc (09022015). Collection method: clinical testing. Allele origin: germline.
Comment: This sequence change replaces lysine, which is basic and polar, with glutamic acid, which is acidic and polar, at codon 1114 of the MYLK protein (p.Lys1114Glu). This variant is not present in population databases (gnomAD no frequency). This variant has not been reported in the literature in individuals affected with MYLK-related conditions. Invitae Evidence Modeling of protein sequence and biophysical properties (such as structural, functional, and spatial information, amino acid conservation, physicochemical variation, residue mobility, and thermodynamic stability) indicates that this missense variant is not expected to disrupt MYLK protein function with a negative predictive value of 80%. In summary, the available evidence is currently insufficient to determine the role of this variant in disease. Therefore, it has been classified as a Variant of Uncertain Significance.